The following is an entry in ClinVar:

NM_001042545.2(LTBP4):c.405C>T (p.Tyr135=)

Gene: LTBP4 (latent transforming growth factor beta binding protein 4; plus strand). Cytogenetic location: 19q13.2.
Variant type: single nucleotide variant.
Coding change: c.405C>T on transcript NM_001042545.2 (MANE Select); coding-DNA position 405, C replaced by T.
Protein change: p.Tyr135=; no amino-acid change (tyrosine 135 retained).
Molecular consequence: synonymous variant.
Genome position (GRCh38, 1-based): chr19:40,605,189, C>T. VCF-style: chr19-40605189-C-T. GRCh37 (hg19) VCF-style: chr19-41111095-C-T.
Other names: c.606C>T, p.Tyr202= (NM_001042544.1); c.495C>T, p.Tyr165= (NM_003573.2).
Identifiers: ClinVar variation 1615328 (VCV001615328.31), dbSNP rs199958267, ClinGen allele CA9448019.

ClinVar aggregate classification (germline): Likely benign. Review status: criteria provided, multiple submitters, no conflicts (2 of 4 stars). 3 submissions from 3 submitters: Likely benign (2). 1 of the submissions does not count toward it. Last evaluated 2026-01-26.

Conditions:
LTBP4-related disorder. Also called: LTBP4-related condition.

Allele frequency attached by ClinVar (database versions not stated): gnomAD exomes 0.00003 and 0.00013; ExAC 0.00004; gnomAD 0.00007 and 0.00008; TOPMed 0.00007; ESP Exome Variant Server 0.00008.
gnomAD v4.1: 194 of 1,606,208 alleles (0.012%); highest among the groups gnomAD compares: Non-Finnish European, 0.015%; no homozygotes.

Submissions (3):

Labcorp Genetics (formerly Invitae), Labcorp
Classification: Likely benign. Last evaluated: 2026-01-26. Review status: criteria provided, single submitter. Criteria: Invitae Variant Classification Sherloc (09022015). Collection method: clinical testing. Allele origin: germline.

CeGaT Center for Human Genetics Tuebingen
Classification: Likely benign. Last evaluated: 2024-01-01. Review status: criteria provided, single submitter. Criteria: CeGaT Center For Human Genetics Tuebingen Variant Classification Criteria Version 2. Collection method: clinical testing. Allele origin: germline. Affected: yes. Observed: 1 variant allele.
Comment: LTBP4: BP4, BP7

PreventionGenetics, part of Exact Sciences
Classification: Likely benign for LTBP4-related condition. Last evaluated: 2019-06-20. Review status: no assertion criteria provided. Collection method: clinical testing. Allele origin: germline. Not counted in ClinVar's aggregate classification.
Comment: This variant is classified as likely benign based on ACMG/AMP sequence variant interpretation guidelines (Richards et al. 2015 PMID: 25741868, with internal and published modifications).